The following is an entry in ClinVar:

NM_002180.3(IGHMBP2):c.1859A>G (p.His620Arg)

Gene: IGHMBP2 (immunoglobulin mu DNA binding protein 2; plus strand). Cytogenetic location: 11q13.3.
Variant type: single nucleotide variant.
Coding change: c.1859A>G on transcript NM_002180.3 (MANE Select); coding-DNA position 1859, A replaced by G.
Protein change: p.His620Arg; replaces histidine 620 with arginine.
Molecular consequence: missense variant.
Genome position (GRCh38, 1-based): chr11:68,936,339, A>G. VCF-style: chr11-68936339-A-G. GRCh37 (hg19) VCF-style: chr11-68703807-A-G.
Other names: short protein forms H620R.
Identifiers: ClinVar variation 2090026 (VCV002090026.4), dbSNP rs775376931, ClinGen allele CA223413108.

ClinVar aggregate classification (germline): Uncertain significance (1 of 4 stars; one submission).

Conditions:
Autosomal recessive distal spinal muscular atrophy 1. Also called: NEURONOPATHY, SEVERE INFANTILE AXONAL, WITH RESPIRATORY FAILURE; SEVERE INFANTILE AXONAL NEUROPATHY WITH RESPIRATORY FAILURE; SPINAL MUSCULAR ATROPHY, DIAPHRAGMATIC; HMN VI; NEURONOPATHY, DISTAL HEREDITARY MOTOR, HARDING TYPE VI; NEUROPATHY, DISTAL HEREDITARY MOTOR, AUTOSOMAL RECESSIVE 1. Identifiers: Orphanet 98920, MedGen C1858517, MONDO:0011436, OMIM 604320.
Charcot-Marie-Tooth disease axonal type 2S. Also called: CHARCOT-MARIE-TOOTH DISEASE, AXONAL, AUTOSOMAL RECESSIVE, TYPE 2S; CHARCOT-MARIE-TOOTH NEUROPATHY, TYPE 2S. Identifiers: Orphanet 443073, MedGen C4015349, MONDO:0014511, OMIM 616155.

Allele frequency attached by ClinVar (database versions not stated): gnomAD exomes below 0.00001.
gnomAD v4.1: 5 of 1,614,204 alleles (0.00031%); highest among the groups gnomAD compares: Non-Finnish European, 0.00042%; no homozygotes.

Submission:

Labcorp Genetics (formerly Invitae), Labcorp
Classification: Uncertain significance for Autosomal recessive distal spinal muscular atrophy 1; Charcot-Marie-Tooth disease axonal type 2S. Last evaluated: 2022-07-01. Review status: criteria provided, single submitter. Criteria: Invitae Variant Classification Sherloc (09022015). Collection method: clinical testing. Allele origin: germline.
Comment: In summary, the available evidence is currently insufficient to determine the role of this variant in disease. Therefore, it has been classified as a Variant of Uncertain Significance. Advanced modeling of protein sequence and biophysical properties (such as structural, functional, and spatial information, amino acid conservation, physicochemical variation, residue mobility, and thermodynamic stability) performed at Invitae indicates that this missense variant is not expected to disrupt IGHMBP2 protein function. This variant has not been reported in the literature in individuals affected with IGHMBP2-related conditions. This variant is not present in population databases (gnomAD no frequency). This sequence change replaces histidine, which is basic and polar, with arginine, which is basic and polar, at codon 620 of the IGHMBP2 protein (p.His620Arg).